The following is an entry in ClinVar:

NM_001256012.3(MYH10):c.5235G>A (p.Ala1745=)

Gene: MYH10 (myosin heavy chain 10; minus strand). Cytogenetic location: 17p13.1.
Variant type: single nucleotide variant.
Coding change: c.5235G>A on transcript NM_001256012.3 (MANE Select); coding-DNA position 5235, G replaced by A.
Protein change: p.Ala1745=; no amino-acid change (alanine 1745 retained).
Molecular consequence: synonymous variant.
Genome position (GRCh38, 1-based): chr17:8,481,351, C>T on the plus strand (G>A on the coding strand, the complement: MYH10 is on the minus strand). VCF-style: chr17-8481351-C-T. GRCh37 (hg19) VCF-style: chr17-8384669-C-T.
Other names: c.5169G>A, p.Ala1723= (NM_001256095.2); c.5172G>A, p.Ala1724= (NM_001375266.1); c.5142G>A, p.Ala1714= (NM_005964.5).
Identifiers: ClinVar variation 710457 (VCV000710457.5), dbSNP rs147250401, ClinGen allele CA8376925.

ClinVar aggregate classification (germline): Benign/Likely benign. Review status: criteria provided, multiple submitters, no conflicts (2 of 4 stars). 3 submissions from 3 submitters: Benign (1); Likely benign (1). 1 of the submissions does not count toward it. Last evaluated 2024-10-02.

Conditions:
MYH10-related disorder. Also called: MYH10-related condition.

Allele frequency attached by ClinVar (database versions not stated): gnomAD exomes 0.00025; ExAC 0.00030; TOPMed 0.00077; gnomAD 0.00085 and 0.00087; ESP Exome Variant Server 0.00092; 1000 Genomes Project 0.00120; 1000 Genomes Project 30x 0.00141.
gnomAD v4.1: 290 of 1,614,044 alleles (0.018%); highest among the groups gnomAD compares: African/African-American, 0.28%; no homozygotes.

Submissions (3):

Blueprint Genetics
Classification: Likely benign. Last evaluated: 2024-10-02. Review status: criteria provided, single submitter. Criteria: ACMG Guidelines, 2015. Collection method: clinical testing. Allele origin: germline.

Labcorp Genetics (formerly Invitae), Labcorp
Classification: Benign. Last evaluated: 2017-08-02. Review status: criteria provided, single submitter. Criteria: Invitae Variant Classification Sherloc (09022015). Collection method: clinical testing. Allele origin: germline.

PreventionGenetics, part of Exact Sciences
Classification: Likely benign for MYH10-related condition. Last evaluated: 2024-04-17. Review status: no assertion criteria provided. Collection method: clinical testing. Allele origin: germline. Not counted in ClinVar's aggregate classification.
Comment: This variant is classified as likely benign based on ACMG/AMP sequence variant interpretation guidelines (Richards et al. 2015 PMID: 25741868, with internal and published modifications).